The following is an entry in ClinVar:

ClinVar aggregate classification (germline): Uncertain significance (1 of 4 stars; one submission).

Conditions:
Oto-palato-digital syndrome, type II (OPD2). Also called: Otopalatodigital Syndrome Type 2 (FLNA-OPD2); FACIOPALATOOSSEOUS SYNDROME; OPD II SYNDROME; Otopalatodigital Syndrome, Type II. Identifiers: Orphanet 669, Orphanet 90652, MedGen C1844696, MONDO:0010571, OMIM 304120.
Heterotopia, periventricular, X-linked dominant (PVNH1). Also called: PERIVENTRICULAR NODULAR HETEROTOPIA 1; X-linked periventricular heterotopia; PERIVENTRICULAR NODULAR HETEROTOPIA 4; HETEROTOPIA, PERIVENTRICULAR, 1. Identifiers: Orphanet 2149, Orphanet 82004, MedGen C1848213, MONDO:0010233, OMIM 300049.
Melnick-Needles syndrome (MNS). Also called: Melnick-Needles Syndrome (FLNA-MNS); MELNICK-NEEDLES OSTEODYSPLASTY; OSTEODYSPLASTY OF MELNICK AND NEEDLES. Identifiers: Orphanet 2484, MedGen C0025237, MONDO:0010650, OMIM 309350.
Frontometaphyseal dysplasia (FMD1). Identifiers: Orphanet 1826, MedGen C0265293, MONDO:0015942.

Allele frequency attached by ClinVar (database versions not stated): gnomAD exomes below 0.00001.
gnomAD v4.1: 3 of 1,212,036 alleles (0.00025%); highest among the groups gnomAD compares: Non-Finnish European, 0.00033%; no homozygotes.

Submission:

Labcorp Genetics (formerly Invitae), Labcorp
Classification: Uncertain significance for Oto-palato-digital syndrome, type II; Heterotopia, periventricular, X-linked dominant; Frontometaphyseal dysplasia; Melnick-Needles syndrome. Last evaluated: 2023-03-19. Review status: criteria provided, single submitter. Criteria: Invitae Variant Classification Sherloc (09022015). Collection method: clinical testing. Allele origin: germline.
Comment: This sequence change replaces serine, which is neutral and polar, with leucine, which is neutral and non-polar, at codon 2174 of the FLNA protein (p.Ser2174Leu). This variant is not present in population databases (gnomAD no frequency). This variant has not been reported in the literature in individuals affected with FLNA-related conditions. Advanced modeling of protein sequence and biophysical properties (such as structural, functional, and spatial information, amino acid conservation, physicochemical variation, residue mobility, and thermodynamic stability) performed at Invitae indicates that this missense variant is not expected to disrupt FLNA protein function. In summary, the available evidence is currently insufficient to determine the role of this variant in disease. Therefore, it has been classified as a Variant of Uncertain Significance.

NM_001110556.2(FLNA):c.6545C>T (p.Ser2182Leu)

Gene: FLNA (filamin A; minus strand). Cytogenetic location: Xq28.
Variant type: single nucleotide variant.
Coding change: c.6545C>T on transcript NM_001110556.2 (MANE Select); coding-DNA position 6545, C replaced by T.
Protein change: p.Ser2182Leu; replaces serine 2182 with leucine.
Molecular consequence: missense variant.
Genome position (GRCh38, 1-based): chrX:154,352,405, G>A on the plus strand (C>T on the coding strand, the complement: FLNA is on the minus strand). VCF-style: chrX-154352405-G-A. GRCh37 (hg19) VCF-style: chrX-153580773-G-A.
Other names: c.6521C>T, p.Ser2174Leu (NM_001456.4); short protein forms S2182L, S2174L.
Identifiers: ClinVar variation 2928339 (VCV002928339.3), dbSNP rs2067626725, ClinGen allele CA415191240.
Genomic context (GRCh38, chrX:154,352,405, plus strand): 5'-AAGCGGATGCAGTAGGTGTGGTTCTCCCCTTCCACGATCTCGGCCTCATGGGTCTTGCCC[G>A]ATGGGCTGGTCACCTGGGCTGTCATATCCTGGATGCTAATTTCTGCAGGGTGGGGATGGG-3'
Protein context (NP_001104026.1, residues 2172-2192): QDMTAQVTSP[Ser2182Leu]GKTHEAEIVE